The following is an entry in ClinVar:

NM_030624.3(KLHL15):c.432C>T (p.Gly144=)

Gene: KLHL15 (kelch like family member 15; minus strand). Cytogenetic location: Xp22.11.
Variant type: single nucleotide variant.
Coding change: c.432C>T on transcript NM_030624.3 (MANE Select); coding-DNA position 432, C replaced by T.
Protein change: p.Gly144=; no amino-acid change (glycine 144 retained).
Molecular consequence: synonymous variant.
Genome position (GRCh38, 1-based): chrX:24,006,262, G>A on the plus strand (C>T on the coding strand, the complement: KLHL15 is on the minus strand). VCF-style: chrX-24006262-G-A. GRCh37 (hg19) VCF-style: chrX-24024379-G-A.
Identifiers: ClinVar variation 2660178 (VCV002660178.24), dbSNP rs891975809, ClinGen allele CA327676089.

ClinVar aggregate classification (germline): Likely benign (1 of 4 stars; one submission).

Allele frequency attached by ClinVar (database versions not stated): gnomAD exomes 0.00001; gnomAD 0.00004; TOPMed 0.00008.
gnomAD v4.1: 18 of 1,209,621 alleles (0.0015%); highest among the groups gnomAD compares: Middle Eastern, 0.023%; no homozygotes.

Submission:

CeGaT Center for Human Genetics Tuebingen
Classification: Likely benign. Last evaluated: 2023-04-01. Review status: criteria provided, single submitter. Criteria: CeGaT Center For Human Genetics Tuebingen Variant Classification Criteria Version 2. Collection method: clinical testing. Allele origin: germline. Affected: yes. Observed: 1 variant allele.
Comment: KLHL15: BP4, BP7